The following is an entry in ClinVar:

NM_004606.5(TAF1):c.3416C>T (p.Ser1139Leu)

Gene: TAF1 (TATA-box binding protein associated factor 1; plus strand). Cytogenetic location: Xq13.1.
Variant type: single nucleotide variant.
Coding change: c.3416C>T on transcript NM_004606.5 (MANE Select); coding-DNA position 3416, C replaced by T.
Protein change: p.Ser1139Leu; replaces serine 1139 with leucine.
Molecular consequence: missense variant. On other transcripts: non-coding transcript variant (9).
Genome position (GRCh38, 1-based): chrX:71,397,262, C>T. VCF-style: chrX-71397262-C-T. GRCh37 (hg19) VCF-style: chrX-70617112-C-T.
Other names: c.3416C>T, p.Ser1139Leu (NM_001286074.2); c.3353C>T, p.Ser1118Leu (NM_138923.4); short protein forms S1118L, S1139L.
Identifiers: ClinVar variation 3067801 (VCV003067801.21), dbSNP rs2520597962, ClinGen allele CA413530163.

ClinVar aggregate classification (germline): Uncertain significance (1 of 4 stars; one submission).

Submission:

CeGaT Center for Human Genetics Tuebingen
Classification: Uncertain significance. Last evaluated: 2024-03-01. Review status: criteria provided, single submitter. Criteria: CeGaT Center For Human Genetics Tuebingen Variant Classification Criteria Version 2. Collection method: clinical testing. Allele origin: germline. Affected: yes. Observed: 1 variant allele.
Comment: TAF1: PM2, PP2